The following is an entry in ClinVar:

ClinVar aggregate classification (germline): Uncertain significance. Review status: criteria provided, multiple submitters, no conflicts (2 of 4 stars). 3 submissions from 3 submitters: Uncertain significance (3). Last evaluated 2022-06-28.

Conditions:
Naxos disease (NXD). Also called: KERATOSIS PALMOPLANTARIS WITH ARRHYTHMOGENIC CARDIOMYOPATHY; MAL DE NAXOS; PALMOPLANTAR KERATODERMA WITH ARRHYTHMOGENIC RIGHT VENTRICULAR CARDIOMYOPATHY AND WOOLLY HAIR; WOOLLY HAIR, PALMOPLANTAR KERATODERMA, AND CARDIAC ABNORMALITIES; CARDIOMYOPATHY, ARRHYTHMOGENIC RIGHT VENTRICULAR, WITH SKIN, HAIR, AND NAIL ABNORMALITIES. Identifiers: Orphanet 34217, MedGen C1832600, MONDO:0011017, OMIM 601214.
Arrhythmogenic right ventricular dysplasia 12. Also called: ARRHYTHMOGENIC RIGHT VENTRICULAR DYSPLASIA, FAMILIAL, 12. Identifiers: MedGen C1969081, MONDO:0012684, OMIM 611528.

Submissions (3):

Labcorp Genetics (formerly Invitae), Labcorp
Classification: Uncertain significance for Arrhythmogenic right ventricular dysplasia 12; Naxos disease. Last evaluated: 2022-06-28. Review status: criteria provided, single submitter. Criteria: Invitae Variant Classification Sherloc (09022015). Collection method: clinical testing. Allele origin: germline.
Comment: This sequence change replaces alanine, which is neutral and non-polar, with threonine, which is neutral and polar, at codon 617 of the JUP protein (p.Ala617Thr). In summary, the available evidence is currently insufficient to determine the role of this variant in disease. Therefore, it has been classified as a Variant of Uncertain Significance. Algorithms developed to predict the effect of missense changes on protein structure and function (SIFT, PolyPhen-2, Align-GVGD) all suggest that this variant is likely to be tolerated. ClinVar contains an entry for this variant (Variation ID: 45841). This variant has not been reported in the literature in individuals affected with JUP-related conditions. This variant is not present in population databases (gnomAD no frequency).

Fulgent Genetics
Classification: Uncertain significance for Naxos disease; Arrhythmogenic right ventricular dysplasia 12. Last evaluated: 2021-08-03. Review status: criteria provided, single submitter. Criteria: ACMG Guidelines, 2015. Collection method: clinical testing. Allele origin: unknown.

Laboratory for Molecular Medicine, Mass General Brigham Personalized Medicine
Classification: Uncertain significance. Last evaluated: 2013-01-30. Review status: criteria provided, single submitter. Criteria: LMM Criteria. Collection method: clinical testing. Allele origin: germline. Observed: 1 variant allele.
Comment: The Ala617Thr variant in JUP has not been previously reported in the literature or identified by our laboratory. The frequency of this variant in large European American and African American populations cannot be determined from the NHLBI E xome Sequencing Project, because coverage at this position was insufficient or unavailable. Computational analyses (biochemi cal amino acid properties, conservation, AlignGVGD, PolyPhen2, and SIFT) suggest that the variant may not impact the protein, though this information is not pre dictive enough to rule out pathogenicity. In summary, additional information is needed to fully assess the clinical significance of the Ala617Thr variant.

NM_002230.4(JUP):c.1849G>A (p.Ala617Thr)

Gene: JUP (junction plakoglobin; minus strand). Cytogenetic location: 17q21.2.
Variant type: single nucleotide variant.
Coding change: c.1849G>A on transcript NM_002230.4 (MANE Select); coding-DNA position 1849, G replaced by A.
Protein change: p.Ala617Thr; replaces alanine 617 with threonine.
Molecular consequence: missense variant.
Genome position (GRCh38, 1-based): chr17:41,757,709, C>T on the plus strand (G>A on the coding strand, the complement: JUP is on the minus strand). VCF-style: chr17-41757709-C-T. GRCh37 (hg19) VCF-style: chr17-39913961-C-T.
Other names: c.1849G>A, p.Ala617Thr (NM_001352773.2, NM_001352774.2, NM_001352775.2 and 3 more transcripts); short protein forms A617T.
Identifiers: ClinVar variation 45841 (VCV000045841.9), dbSNP rs397517299, ClinGen allele CA137162.
Genomic context (GRCh38, chr17:41,757,709, plus strand): 5'-GGGAGTGCAGCAACTCCATGAGTGGGGCCGAGGCCCCCTCTGCATCAATGGCGTCGGCCG[C>T]CTCCTTGTCCTGGGCCAGCTCACACAGCACCCCGGCAGCCACGCGCTGGATGTTCTCCAC-3'
Protein context (NP_002221.1, residues 607-627): VLCELAQDKE[Ala617Thr]ADAIDAEGAS